The following is an entry in ClinVar:

NM_000138.5(FBN1):c.2364dup (p.Val789fs)

Gene: FBN1 (fibrillin 1; minus strand). Cytogenetic location: 15q21.1.
Variant type: Duplication.
Coding change: c.2364dup on transcript NM_000138.5 (MANE Select); coding-DNA position 2364, one base duplicated (T; older notation c.2364dupT).
Protein change: p.Val789fs; shifts the reading frame from valine 789.
Molecular consequence: frameshift variant.
Genome position (GRCh38, 1-based): chr15:48,496,155, A duplicated on the plus strand (T on the coding strand, the reverse complement: FBN1 is on the minus strand); the first of 4 consecutive A bases (chr15:48,496,155-48,496,158); duplicating any one gives the same sequence. VCF-style (leftmost placement, unchanged base first): chr15-48496154-C-CA. GRCh37 (hg19) VCF-style: chr15-48788351-C-CA.
Other names: NM_000138.5:c.2364dup; c.2361dup, p.Val789Cysfs (NM_001406716.1); short protein forms V789fs.
Identifiers: ClinVar variation 2413175 (VCV002413175.3), dbSNP rs2505573626, ClinGen allele CA915940948.
Genomic context (GRCh38, chr15:48,496,154, plus strand): 5'-GTTTACCTTCACATGTTTTTAGATCAGGTTTGTAGATAAATCCCTTGGGGCAGGTACAGA[C>CA]AAAACTTCCAGGAGTATTTCTACATTGTCCATTGTCACAAAGGAGACTGTTCAGTACACA-3'

ClinVar aggregate classification (germline): Likely pathogenic (3 of 4 stars; one submission).

Conditions:
Marfan syndrome (MFS). Also called: MARFAN SYNDROME, TYPE I; FBN1-Related Marfan Syndrome; Marfan syndrome type 1; Marfan's syndrome; Marfan syndrome, classic. Identifiers: Orphanet 284963, Orphanet 558, MedGen C0024796, MONDO:0007947, OMIM 154700.

Submission:

ClinGen FBN1 Variant Curation Expert Panel, ClinGen
Classification: Likely pathogenic for Marfan syndrome. Last evaluated: 2022-12-01. Review status: reviewed by expert panel. Criteria: Assertion Criteria VCEP FBN1 Version 1. Collection method: curation. Allele origin: germline. Inheritance: Autosomal dominant inheritance.
Comment: The NM_000138 c.2364dup, is a frameshift variant in FBN1 predicted to cause a substitution of a Valine acid by Cysteine at amino acid 789 (p.Val789CysfsTer13). It is expected to cause a shift in the reading frame and likely results in an absent or disrupted protein product (PVS1). This variant has not been reported in ClinVar and has not been reported in the literature. This variant is not present in gnomAD v2.1.1 (PM2_sup). In summary, this variant meets criteria to be classified as likely pathogenic for Marfan syndrome based on the ACMG/AMP criteria applied, as specified by the ClinGen FBN1 VCEP: PVS1, PM2_supporting